The following is an entry in ClinVar:

ClinVar aggregate classification (germline): Uncertain significance. Review status: criteria provided, multiple submitters, no conflicts (2 of 4 stars). 5 submissions from 5 submitters: Uncertain significance (5). Last evaluated 2025-11-18.

Conditions:
Dilated cardiomyopathy 1P (CMD1P). Identifiers: Orphanet 154, MedGen C1835928, MONDO:0012362, OMIM 609909.
Hypertrophic cardiomyopathy 18. Identifiers: MedGen C3151265, MONDO:0013475, OMIM 613874.
Cardiovascular phenotype. Identifiers: MedGen CN230736.
Cardiomyopathy (CMYO). Also called: Cardiomyopathies. Identifiers: Orphanet 167848, MedGen C0878544, MONDO:0004994, HP:0001638. Inheritance: Various modes of inheritance.

Allele frequency attached by ClinVar (database versions not stated): gnomAD exomes 0.00001; gnomAD 0.00002 and 0.00003; TOPMed 0.00002.
gnomAD v4.1: 17 of 1,612,926 alleles (0.0011%); highest among the groups gnomAD compares: East Asian, 0.0022%; no homozygotes.

Submissions (5):

Labcorp Genetics (formerly Invitae), Labcorp
Classification: Uncertain significance for Dilated cardiomyopathy 1P. Last evaluated: 2025-11-18. Review status: criteria provided, single submitter. Criteria: Invitae Variant Classification Sherloc (09022015). Collection method: clinical testing. Allele origin: germline.
Comment: This sequence change replaces isoleucine, which is neutral and non-polar, with threonine, which is neutral and polar, at codon 18 of the PLN protein (p.Ile18Thr). This variant is not present in population databases (gnomAD no frequency). This missense change has been observed in individuals with dilated cardiomyopathy and/or hypertrophic cardiomyopathy (PMID: 28790153, 31705731; internal data). ClinVar contains an entry for this variant (Variation ID: 573774). An algorithm developed to predict the effect of missense changes on protein structure and function (PolyPhen-2) suggests that this variant is likely to be tolerated. Experimental studies have shown that this missense change affects PLN function (PMID: 38387507). In summary, the available evidence is currently insufficient to determine the role of this variant in disease. Therefore, it has been classified as a Variant of Uncertain Significance.

Ambry Genetics
Classification: Uncertain significance for Cardiovascular phenotype. Last evaluated: 2024-11-29. Review status: criteria provided, single submitter. Criteria: Ambry Variant Classification Scheme 2023. Collection method: clinical testing. Allele origin: germline.
Comment: The p.I18T variant (also known as c.53T>C), located in coding exon 1 of the PLN gene, results from a T to C substitution at nucleotide position 53. The isoleucine at codon 18 is replaced by threonine, an amino acid with similar properties. This variant has been detected in individuals from hypertrophic cardiomyopathy cohorts and individuals tested for dilated cardiomyopathy (Lopes LR et al. J. Med. Genet., 2013;50:228-39; Chanavat V et al. Clin Chim Acta. 2016;453:80-5; Burns C et al. Circ Cardiovasc Genet, 2017;10). This amino acid position is well conserved in available vertebrate species. In addition, this alteration is predicted to be deleterious by in silico analysis. Based on the available evidence, the clinical significance of this variant remains unclear.

Fulgent Genetics
Classification: Uncertain significance for Dilated cardiomyopathy 1P; Hypertrophic cardiomyopathy 18. Last evaluated: 2021-08-24. Review status: criteria provided, single submitter. Criteria: ACMG Guidelines, 2015. Collection method: clinical testing. Allele origin: unknown.

CHEO Genetics Diagnostic Laboratory, Children's Hospital of Eastern Ontario
Classification: Uncertain significance for Cardiomyopathy. Last evaluated: 2019-07-05. Review status: criteria provided, single submitter. Criteria: ACMG Guidelines, 2015. Collection method: clinical testing. Allele origin: germline.

Agnes Ginges Centre for Molecular Cardiology, Centenary Institute
Classification: Uncertain significance for Hypertrophic cardiomyopathy 18. Last evaluated: 2018-10-15. Review status: criteria provided, single submitter. Criteria: ACMG Guidelines, 2015. Collection method: research. Allele origin: germline. Inheritance: Autosomal dominant inheritance. Affected: yes.
Comment: PLN Ile18Thr has not been previously reported and is absent from the Genome Aggregation Database. In silico tools SIFT and MutationTaster predict this variant to be deleterious, but PolyPhen2 predicts it to be 'benign'. Based on this information we classify this as a variant of 'uncertain significance'.

Literature cited by the submitters: PubMed 28790153 (cited by 3 submitters); PubMed 31705731 (cited by Labcorp Genetics (formerly Invitae), Labcorp); PubMed 38387507 (cited by Labcorp Genetics (formerly Invitae), Labcorp and Ambry Genetics); PubMed 23396983 (cited by Ambry Genetics); PubMed 26688388 (cited by Ambry Genetics).

NM_002667.5(PLN):c.53T>C (p.Ile18Thr)

Genes: PLN (phospholamban; plus strand), CEP85L (centrosomal protein 85L; minus strand). Cytogenetic location: 6q22.31.
Variant type: single nucleotide variant.
Coding change: c.53T>C on transcript NM_002667.5 (MANE Select); coding-DNA position 53, T replaced by C.
Protein change: p.Ile18Thr; replaces isoleucine 18 with threonine.
Molecular consequence: missense variant. On other transcripts: intron variant (3).
Genome position (GRCh38, 1-based): chr6:118,558,974, T>C. VCF-style: chr6-118558974-T-C. GRCh37 (hg19) VCF-style: chr6-118880137-T-C.
Other names: c.1029+6555A>G (NM_001178035.2); c.1020+6555A>G (NM_001042475.3, NM_206921.3); short protein forms I18T.
Identifiers: ClinVar variation 573774 (VCV000573774.15), dbSNP rs1029766634, ClinGen allele CA146529607.